The following is an entry in ClinVar:

NM_139076.3(ABRAXAS1):c.928A>G (p.Ser310Gly)

Gene: ABRAXAS1 (abraxas 1, BRCA1 A complex subunit; minus strand). Cytogenetic location: 4q21.23.
Variant type: single nucleotide variant.
Coding change: c.928A>G on transcript NM_139076.3 (MANE Select); coding-DNA position 928, A replaced by G.
Protein change: p.Ser310Gly; replaces serine 310 with glycine.
Molecular consequence: missense variant.
Genome position (GRCh38, 1-based): chr4:83,462,771, T>C on the plus strand (A>G on the coding strand, the complement: ABRAXAS1 is on the minus strand). VCF-style: chr4-83462771-T-C. GRCh37 (hg19) VCF-style: chr4-84383924-T-C.
Other names: c.601A>G, p.Ser201Gly (NM_001345962.2); short protein forms S201G, S310G.
Identifiers: ClinVar variation 2561767 (VCV002561767.2), dbSNP rs766975460, ClinGen allele CA2990407.

ClinVar aggregate classification (germline): Uncertain significance (1 of 4 stars; one submission).

Allele frequency attached by ClinVar (database versions not stated): gnomAD exomes below 0.00001; ExAC 0.00001.

Submission:

Ambry Genetics
Classification: Uncertain significance. Last evaluated: 2023-04-11. Review status: criteria provided, single submitter. Criteria: Ambry Variant Classification Scheme 2023. Collection method: clinical testing. Allele origin: germline.
Comment: The p.S310G variant (also known as c.928A>G), located in coding exon 9 of the FAM175A gene, results from an A to G substitution at nucleotide position 928. The serine at codon 310 is replaced by glycine, an amino acid with similar properties. This amino acid position is conserved. In addition, this alteration is predicted to be tolerated by in silico analysis. Since supporting evidence is limited at this time, the clinical significance of this alteration remains unclear.